The following is an entry in ClinVar:

ClinVar aggregate classification (germline): Likely pathogenic (1 of 4 stars; one submission).

Conditions:
Fanconi anemia (FA). Also called: Fanconi's anemia. Identifiers: Orphanet 84, MedGen C0015625, MeSH D005199, MONDO:0019391.

Allele frequency attached by ClinVar (database versions not stated): gnomAD 0.00001; gnomAD exomes below 0.00001.
gnomAD v4.1: 3 of 1,562,884 alleles (0.00019%); highest among the groups gnomAD compares: Non-Finnish European, 0.00026%; no homozygotes.

Submission:

Labcorp Genetics (formerly Invitae), Labcorp
Classification: Likely pathogenic for Fanconi anemia. Last evaluated: 2018-04-05. Review status: criteria provided, single submitter. Criteria: Invitae Variant Classification Sherloc (09022015). Collection method: clinical testing. Allele origin: germline.
Comment: This variant is not present in population databases (ExAC no frequency). This sequence change affects an acceptor splice site in intron 8 of the FANCL gene. It is expected to disrupt RNA splicing and likely results in an absent or disrupted protein product. This variant has not been reported in the literature in individuals with FANCL-related disease. Algorithms developed to predict the effect of sequence changes on RNA splicing suggest that this variant may disrupt the consensus splice site, but this prediction has not been confirmed by published transcriptional studies. Donor and acceptor splice site variants typically lead to a loss of protein function (PMID: 16199547), and loss-of-function variants in FANCL are known to be pathogenic (PMID: 19405097, 23613520). In summary, the currently available evidence indicates that the variant is pathogenic, but additional data are needed to prove that conclusively. Therefore, this variant has been classified as Likely Pathogenic.

Literature cited by the submitters: PubMed 16199547; PubMed 19405097; PubMed 23613520.

NM_018062.4(FANCL):c.692-2A>G

Gene: FANCL (FA complementation group L; minus strand). Cytogenetic location: 2p16.1.
Variant type: single nucleotide variant.
Coding change: c.692-2A>G on transcript NM_018062.4 (MANE Select); the canonical splice acceptor site of the intron before coding-DNA position 692, A replaced by G.
Molecular consequence: splice acceptor variant.
Genome position (GRCh38, 1-based): chr2:58,163,519, T>C on the plus strand (A>G on the coding strand, the complement: FANCL is on the minus strand). VCF-style: chr2-58163519-T-C. GRCh37 (hg19) VCF-style: chr2-58390654-T-C.
Other names: c.737-2A>G (NM_001374615.1); c.707-2A>G (NM_001114636.2); c.752-2A>G (NM_001410792.1).
Identifiers: ClinVar variation 569679 (VCV000569679.7), dbSNP rs1558737575, ClinGen allele CA346936077.
Genomic context (GRCh38, chr2:58,163,519, plus strand): 5'-CTCAGGAAGCATAGTAGGATGCCTGGGGTCTACCTCTATATTTATGGAAACATTATTACC[T>C]AGAATGAAACAAGATTAAATCTTTTAGAAGTAGAACAGCTCATCAAACAACCCAATAAAA-3'